The following is an entry in ClinVar:

NM_001106.4(ACVR2B):c.210C>T (p.Ile70=)

Gene: ACVR2B (activin A receptor type 2B; plus strand). Cytogenetic location: 3p22.2.
Variant type: single nucleotide variant.
Coding change: c.210C>T on transcript NM_001106.4 (MANE Select); coding-DNA position 210, C replaced by T.
Protein change: p.Ile70=; no amino-acid change (isoleucine 70 retained).
Molecular consequence: synonymous variant.
Genome position (GRCh38, 1-based): chr3:38,477,444, C>T. VCF-style: chr3-38477444-C-T. GRCh37 (hg19) VCF-style: chr3-38518935-C-T.
Identifiers: ClinVar variation 344913 (VCV000344913.14), dbSNP rs145456109, ClinGen allele CA2318732.

ClinVar aggregate classification (germline): Likely benign. Review status: criteria provided, multiple submitters, no conflicts (2 of 4 stars). 3 submissions from 3 submitters: Likely benign (2). 1 of the submissions does not count toward it. Last evaluated 2022-08-07.

Conditions:
ACVR2B-related disorder. Also called: ACVR2B-related condition.
Heterotaxy, visceral, 4, autosomal (HTX4). Identifiers: Orphanet 450, MedGen C3151057, MONDO:0013403, OMIM 613751.

Allele frequency attached by ClinVar (database versions not stated): gnomAD exomes 0.00008 and 0.00011; ExAC 0.00011; gnomAD 0.00014 and 0.00015; TOPMed 0.00014; 1000 Genomes Project 30x 0.00016; 1000 Genomes Project 0.00020; ESP Exome Variant Server 0.00031.
gnomAD v4.1: 138 of 1,614,162 alleles (0.0085%); highest among the groups gnomAD compares: African/African-American, 0.02%; no homozygotes.

Submissions (3):

Labcorp Genetics (formerly Invitae), Labcorp
Classification: Likely benign for Heterotaxy, visceral, 4, autosomal. Last evaluated: 2022-08-07. Review status: criteria provided, single submitter. Criteria: Invitae Variant Classification Sherloc (09022015). Collection method: clinical testing. Allele origin: germline.

Illumina Laboratory Services, Illumina
Classification: Likely benign for Heterotaxy, visceral, 4, autosomal. Last evaluated: 2018-01-13. Review status: criteria provided, single submitter. Criteria: ICSL Variant Classification Criteria 13 December 2019. Collection method: clinical testing. Allele origin: germline.
Comment: This variant was observed in the ICSL laboratory as part of a predisposition screen in an ostensibly healthy population. It had not been previously curated by ICSL or reported in the Human Gene Mutation Database (HGMD: prior to June 1st, 2018), and was therefore a candidate for classification through an automated scoring system. Utilizing variant allele frequency, disease prevalence and penetrance estimates, and inheritance mode, an automated score was calculated to assess if this variant is too frequent to cause the disease. Based on the score and internal cut-off values, a variant classified as likely benign is not then subjected to further curation. The score for this variant resulted in a classification of likely benign for this disease.

PreventionGenetics, part of Exact Sciences
Classification: Likely benign for ACVR2B-related condition. Last evaluated: 2019-11-25. Review status: no assertion criteria provided. Collection method: clinical testing. Allele origin: germline. Not counted in ClinVar's aggregate classification.
Comment: This variant is classified as likely benign based on ACMG/AMP sequence variant interpretation guidelines (Richards et al. 2015 PMID: 25741868, with internal and published modifications).